The following is an entry in ClinVar:

NM_014874.4(MFN2):c.72G>T (p.Val24=)

Gene: MFN2 (mitofusin 2; plus strand). Cytogenetic location: 1p36.22.
Variant type: single nucleotide variant.
Coding change: c.72G>T on transcript NM_014874.4 (MANE Select); coding-DNA position 72, G replaced by T.
Protein change: p.Val24=; no amino-acid change (valine 24 retained).
Molecular consequence: synonymous variant.
Genome position (GRCh38, 1-based): chr1:11,989,240, G>T. VCF-style: chr1-11989240-G-T. GRCh37 (hg19) VCF-style: chr1-12049297-G-T.
Other names: c.72G>T, p.Val24= (NM_001127660.2).
Identifiers: ClinVar variation 476774 (VCV000476774.17), dbSNP rs138454088, ClinGen allele CA598734.

ClinVar aggregate classification (germline): Benign/Likely benign. Review status: criteria provided, multiple submitters, no conflicts (2 of 4 stars). 5 submissions from 5 submitters: Benign (1); Likely benign (3). 1 of the submissions does not count toward it. Last evaluated 2025-10-21.

Conditions:
Inborn genetic diseases. Identifiers: MedGen C0950123, MeSH D030342.
Charcot-Marie-Tooth disease type 2. Also called: Charcot-Marie-Tooth type 2. Identifiers: Orphanet 64746, MedGen C0270914, MONDO:0018993.
MFN2-related disorder. Also called: MFN2-related condition; MFN2-related disorders.

Allele frequency attached by ClinVar (database versions not stated): gnomAD exomes 0.00003 and 0.00007; ESP Exome Variant Server 0.00008; ExAC 0.00009; gnomAD 0.00042 and 0.00044; TOPMed 0.00045; 1000 Genomes Project 0.00100; 1000 Genomes Project 30x 0.00141.
gnomAD v4.1: 112 of 1,614,106 alleles (0.0069%); highest among the groups gnomAD compares: African/African-American, 0.13%; no homozygotes.

Submissions (5):

Labcorp Genetics (formerly Invitae), Labcorp
Classification: Benign for Charcot-Marie-Tooth disease type 2. Last evaluated: 2025-10-21. Review status: criteria provided, single submitter. Criteria: Invitae Variant Classification Sherloc (09022015). Collection method: clinical testing. Allele origin: germline.

Blueprint Genetics
Classification: Likely benign. Last evaluated: 2024-09-20. Review status: criteria provided, single submitter. Criteria: ACMG Guidelines, 2015. Collection method: clinical testing. Allele origin: germline.

Ambry Genetics
Classification: Likely benign for Inborn genetic diseases. Last evaluated: 2019-07-11. Review status: criteria provided, single submitter. Criteria: Ambry Variant Classification Scheme 2023. Collection method: clinical testing. Allele origin: germline.

GeneDx
Classification: Likely benign. Last evaluated: 2017-06-26. Review status: criteria provided, single submitter. Criteria: GeneDx Variant Classification (06012015). Collection method: clinical testing. Allele origin: germline. Affected: yes.
Comment: This variant is considered likely benign or benign based on one or more of the following criteria: it is a conservative change, it occurs at a poorly conserved position in the protein, it is predicted to be benign by multiple in silico algorithms, and/or has population frequency not consistent with disease.

PreventionGenetics, part of Exact Sciences
Classification: Likely benign for MFN2-related condition. Last evaluated: 2019-05-14. Review status: no assertion criteria provided. Collection method: clinical testing. Allele origin: germline. Not counted in ClinVar's aggregate classification.
Comment: This variant is classified as likely benign based on ACMG/AMP sequence variant interpretation guidelines (Richards et al. 2015 PMID: 25741868, with internal and published modifications).